The following is an entry in ClinVar:

ClinVar aggregate classification (germline): Uncertain significance. Review status: criteria provided, multiple submitters, no conflicts (2 of 4 stars). 2 submissions from 2 submitters: Uncertain significance (2). Last evaluated 2025-06-18.

Conditions:
Hereditary cancer-predisposing syndrome. Also called: Hereditary neoplastic syndrome; Neoplastic Syndromes, Hereditary; Tumor predisposition; Hereditary Cancer Syndrome. Identifiers: Orphanet 140162, MedGen C0027672, MeSH D009386, MONDO:0015356.
Neuroblastoma, susceptibility to, 3. Also called: ALK-Related Neuroblastic Tumor Susceptibility. Identifiers: Orphanet 635, MedGen C2751681, MONDO:0013083, OMIM 613014.

gnomAD v4.1: 3 of 1,614,156 alleles (0.00019%); highest among the groups gnomAD compares: Non-Finnish European, 0.00025%; no homozygotes.

Submissions (2):

Ambry Genetics
Classification: Uncertain significance for Hereditary cancer-predisposing syndrome. Last evaluated: 2025-06-18. Review status: criteria provided, single submitter. Criteria: Ambry Variant Classification Scheme 2023. Collection method: clinical testing. Allele origin: germline.
Comment: The p.N1532Y variant (also known as c.4594A>T), located in coding exon 29 of the ALK gene, results from an A to T substitution at nucleotide position 4594. The asparagine at codon 1532 is replaced by tyrosine, an amino acid with dissimilar properties. This amino acid position is conserved. In addition, this alteration is predicted to be tolerated by in silico analysis. Based on the available evidence, the clinical significance of this variant remains unclear.

Labcorp Genetics (formerly Invitae), Labcorp
Classification: Uncertain significance for Neuroblastoma, susceptibility to, 3. Last evaluated: 2020-07-19. Review status: criteria provided, single submitter. Criteria: Invitae Variant Classification Sherloc (09022015). Collection method: clinical testing. Allele origin: germline.
Comment: This variant is not present in population databases (ExAC no frequency). In summary, the available evidence is currently insufficient to determine the role of this variant in disease. Therefore, it has been classified as a Variant of Uncertain Significance. Algorithms developed to predict the effect of missense changes on protein structure and function (SIFT, PolyPhen-2, Align-GVGD) all suggest that this variant is likely to be tolerated, but these predictions have not been confirmed by published functional studies and their clinical significance is uncertain. This variant has not been reported in the literature in individuals with ALK-related conditions. This sequence change replaces asparagine with tyrosine at codon 1532 of the ALK protein (p.Asn1532Tyr). The asparagine residue is moderately conserved and there is a large physicochemical difference between asparagine and tyrosine.

NM_004304.5(ALK):c.4594A>T (p.Asn1532Tyr)

Gene: ALK (ALK receptor tyrosine kinase; minus strand). Cytogenetic location: 2p23.2.
Variant type: single nucleotide variant.
Coding change: c.4594A>T on transcript NM_004304.5 (MANE Select); coding-DNA position 4594, A replaced by T.
Protein change: p.Asn1532Tyr; replaces asparagine 1532 with tyrosine.
Molecular consequence: missense variant.
Genome position (GRCh38, 1-based): chr2:29,193,493, T>A on the plus strand (A>T on the coding strand, the complement: ALK is on the minus strand). VCF-style: chr2-29193493-T-A. GRCh37 (hg19) VCF-style: chr2-29416359-T-A.
Other names: c.1390A>T, p.Asn464Tyr (NM_001353765.2); c.4594A>T (NM_004304.4); short protein forms N1532Y, N464Y.
Identifiers: ClinVar variation 1007946 (VCV001007946.9), dbSNP rs563126725, ClinGen allele CA346460645.
Genomic context (GRCh38, chr2:29,193,493, plus strand): 5'-CCGGAAGTCTCCCAGTTGCAACGTTAGGTGGGACAGTACAGCTTCCCTCCAGCCCCAGGT[T>A]ACCCCTGTCGTGTGGCTCCTTCTTTGCTATAGGATTATTCTTTTTGGTGGGTTTCTCTGT-3'
Protein context (NP_004295.2, residues 1522-1542): IAKKEPHDRG[Asn1532Tyr]LGLEGSCTVP